The following is an entry in ClinVar:

NM_000170.3(GLDC):c.2691G>A (p.Trp897Ter)

Gene: GLDC (glycine decarboxylase; minus strand). Cytogenetic location: 9p24.1.
Variant type: single nucleotide variant.
Coding change: c.2691G>A on transcript NM_000170.3 (MANE Select); coding-DNA position 2691, G replaced by A.
Protein change: p.Trp897Ter; replaces tryptophan 897 with a stop codon.
Molecular consequence: nonsense.
Genome position (GRCh38, 1-based): chr9:6,536,211, C>T on the plus strand (G>A on the coding strand, the complement: GLDC is on the minus strand). VCF-style: chr9-6536211-C-T. GRCh37 (hg19) VCF-style: chr9-6536211-C-T.
Other names: short protein forms W897*.
Identifiers: ClinVar variation 1455758 (VCV001455758.6), dbSNP rs2129649998, ClinGen allele CA372882947.

ClinVar aggregate classification (germline): Pathogenic (1 of 4 stars; one submission).

Conditions:
Glycine encephalopathy. Also called: Non-ketotic hyperglycinemia; Nonketotic hyperglycinemia. Identifiers: Orphanet 407, MedGen C0751748, MONDO:0011612, HP:0008288.

Submission:

Labcorp Genetics (formerly Invitae), Labcorp
Classification: Pathogenic for Glycine encephalopathy. Last evaluated: 2021-04-21. Review status: criteria provided, single submitter. Criteria: Invitae Variant Classification Sherloc (09022015). Collection method: clinical testing. Allele origin: germline.
Comment: For these reasons, this variant has been classified as Pathogenic. This variant has not been reported in the literature in individuals with GLDC-related conditions. This variant is not present in population databases (ExAC no frequency). This sequence change creates a premature translational stop signal (p.Trp897*) in the GLDC gene. It is expected to result in an absent or disrupted protein product. Loss-of-function variants in GLDC are known to be pathogenic (PMID: 16601880).

Literature cited by the submitters: PubMed 16601880.